The following is an entry in ClinVar:

ClinVar aggregate classification (germline): Uncertain significance (1 of 4 stars; one submission).

Conditions:
Duchenne muscular dystrophy (DMD). Also called: MUSCULAR DYSTROPHY, PSEUDOHYPERTROPHIC PROGRESSIVE, DUCHENNE TYPE; Duchenne Muscular Dystrophy (DMD). Identifiers: Orphanet 98896, MedGen C0013264, MONDO:0010679, OMIM 310200.

gnomAD v4.1: 8 of 1,209,671 alleles (0.00066%); highest among the groups gnomAD compares: Non-Finnish European, 0.00078%; no homozygotes.

Submission:

Labcorp Genetics (formerly Invitae), Labcorp
Classification: Uncertain significance for Duchenne muscular dystrophy. Last evaluated: 2024-02-23. Review status: criteria provided, single submitter. Criteria: Invitae Variant Classification Sherloc (09022015). Collection method: clinical testing. Allele origin: germline.
Comment: This sequence change replaces valine, which is neutral and non-polar, with isoleucine, which is neutral and non-polar, at codon 2103 of the DMD protein (p.Val2103Ile). This variant is present in population databases (no rsID available, gnomAD 0.001%). This variant has not been reported in the literature in individuals affected with DMD-related conditions. Advanced modeling of protein sequence and biophysical properties (such as structural, functional, and spatial information, amino acid conservation, physicochemical variation, residue mobility, and thermodynamic stability) performed at Invitae indicates that this missense variant is not expected to disrupt DMD protein function with a negative predictive value of 95%. In summary, the available evidence is currently insufficient to determine the role of this variant in disease. Therefore, it has been classified as a Variant of Uncertain Significance.

NM_004006.3(DMD):c.6307G>A (p.Val2103Ile)

Gene: DMD (dystrophin; minus strand). Cytogenetic location: Xp21.1.
Variant type: single nucleotide variant.
Coding change: c.6307G>A on transcript NM_004006.3 (MANE Select); coding-DNA position 6307, G replaced by A.
Protein change: p.Val2103Ile; replaces valine 2103 with isoleucine.
Molecular consequence: missense variant.
Genome position (GRCh38, 1-based): chrX:32,217,047, C>T on the plus strand (G>A on the coding strand, the complement: DMD is on the minus strand). VCF-style: chrX-32217047-C-T. GRCh37 (hg19) VCF-style: chrX-32235164-C-T.
Other names: c.6283G>A, p.Val2095Ile (NM_000109.4); c.6295G>A, p.Val2099Ile (NM_004009.3); c.5938G>A, p.Val1980Ile (NM_004010.3); c.2284G>A, p.Val762Ile (NM_004011.4); c.2275G>A, p.Val759Ile (NM_004012.4); short protein forms V1980I, V2095I, V2099I, V2103I, V759I, V762I.
Identifiers: ClinVar variation 3614831 (VCV003614831.1).